The following is an entry in ClinVar:

NM_001127178.3(PIGG):c.2573G>A (p.Gly858Asp)

Gene: PIGG (phosphatidylinositol glycan anchor biosynthesis class G (EMM blood group); plus strand). Cytogenetic location: 4p16.3.
Variant type: single nucleotide variant.
Coding change: c.2573G>A on transcript NM_001127178.3 (MANE Select); coding-DNA position 2573, G replaced by A.
Protein change: p.Gly858Asp; replaces glycine 858 with aspartic acid.
Molecular consequence: missense variant. On other transcripts: non-coding transcript variant (10).
Genome position (GRCh38, 1-based): chr4:533,819, G>A. VCF-style: chr4-533819-G-A. GRCh37 (hg19) VCF-style: chr4-527608-G-A.
Other names: c.2306G>A, p.Gly769Asp (NM_001289051.2, NM_001345986.2); c.2174G>A, p.Gly725Asp (NM_001289052.2); c.2282G>A, p.Gly761Asp (NM_001345987.2); c.1544G>A, p.Gly515Asp (NM_001345988.2); c.1040G>A, p.Gly347Asp (NM_001345990.2, NM_001345991.2); c.1475G>A, p.Gly492Asp (NM_001345994.2); c.2549G>A, p.Gly850Asp (NM_017733.5); short protein forms G347D, G492D, G515D, G725D, G761D, G769D, G850D, G858D.
Identifiers: ClinVar variation 1714873 (VCV001714873.6), dbSNP rs2475105407, ClinGen allele CA355910847.
Genomic context (GRCh38, chr4:533,819, plus strand): 5'-TCGTGGCTGTTGATGCCACGTGTTGTGAGGCCTTTGTCAGCTCTTCTCCTGTATTCCAGG[G>A]CAACTCCAACAACATTGCCACCGTGGACATCTCCGCAGGCTTCGTGGGCTTAGACACCTA-3'
Protein context (NP_001120650.1, residues 848-868): WFGQAFFYFQ[Gly858Asp]NSNNIATVDI

ClinVar aggregate classification (germline): Uncertain significance (1 of 4 stars; one submission).

Conditions:
Intellectual disability, autosomal recessive 53 (NEDHSCA). Also called: NEURODEVELOPMENTAL DISORDER WITH OR WITHOUT HYPOTONIA, SEIZURES, AND CEREBELLAR ATROPHY; GLYCOSYLPHOSPHATIDYLINOSITOL BIOSYNTHESIS DEFECT 13; Mental retardation, autosomal recessive 53. Identifiers: Orphanet 488635, MedGen C4310794, MONDO:0014832, OMIM 616917.

Allele frequency attached by ClinVar (database versions not stated): gnomAD exomes below 0.00001.
gnomAD v4.1: 1 of 1,614,132 alleles (0.000062%); highest among the groups gnomAD compares: Non-Finnish European, 0.000085%; no homozygotes.

Submission:

Labcorp Genetics (formerly Invitae), Labcorp
Classification: Uncertain significance for Intellectual disability, autosomal recessive 53. Last evaluated: 2022-08-03. Review status: criteria provided, single submitter. Criteria: Invitae Variant Classification Sherloc (09022015). Collection method: clinical testing. Allele origin: germline.
Comment: This sequence change replaces glycine, which is neutral and non-polar, with aspartic acid, which is acidic and polar, at codon 858 of the PIGG protein (p.Gly858Asp). In summary, the available evidence is currently insufficient to determine the role of this variant in disease. Therefore, it has been classified as a Variant of Uncertain Significance. Algorithms developed to predict the effect of missense changes on protein structure and function are either unavailable or do not agree on the potential impact of this missense change (SIFT: "Deleterious"; PolyPhen-2: "Probably Damaging"; Align-GVGD: "Class C0"). This variant has not been reported in the literature in individuals affected with PIGG-related conditions. This variant is not present in population databases (gnomAD no frequency).